The following is an entry in ClinVar:

ClinVar aggregate classification (germline): Uncertain significance (1 of 4 stars; one submission).

Allele frequency attached by ClinVar (database versions not stated): gnomAD exomes below 0.00001.
gnomAD v4.1: 3 of 1,613,978 alleles (0.00019%); highest among the groups gnomAD compares: Non-Finnish European, 0.00025%; no homozygotes.

Submission:

GeneDx
Classification: Uncertain significance. Last evaluated: 2022-05-19. Review status: criteria provided, single submitter. Criteria: GeneDx Variant Classification Process June 2021. Collection method: clinical testing. Allele origin: germline. Affected: yes.
Comment: Not observed in large population cohorts (gnomAD); In silico analysis supports that this missense variant has a deleterious effect on protein structure/function; Has not been previously published as pathogenic or benign to our knowledge

NM_014874.4(MFN2):c.1418G>A (p.Gly473Glu)

Gene: MFN2 (mitofusin 2; plus strand). Cytogenetic location: 1p36.22.
Variant type: single nucleotide variant.
Coding change: c.1418G>A on transcript NM_014874.4 (MANE Select); coding-DNA position 1418, G replaced by A.
Protein change: p.Gly473Glu; replaces glycine 473 with glutamic acid.
Molecular consequence: missense variant.
Genome position (GRCh38, 1-based): chr1:12,004,850, G>A. VCF-style: chr1-12004850-G-A. GRCh37 (hg19) VCF-style: chr1-12064907-G-A.
Other names: c.1418G>A, p.Gly473Glu (NM_001127660.2); short protein forms G473E.
Identifiers: ClinVar variation 1687704 (VCV001687704.2), dbSNP rs542858566, ClinGen allele CA18011523.